The following is an entry in ClinVar:

NM_003072.5(SMARCA4):c.2164C>T (p.Gln722Ter)

Gene: SMARCA4 (SWI/SNF related BAF chromatin remodeling complex subunit ATPase 4; plus strand). Cytogenetic location: 19p13.2.
Variant type: single nucleotide variant.
Coding change: c.2164C>T on transcript NM_003072.5 (MANE Select); coding-DNA position 2164, C replaced by T.
Protein change: p.Gln722Ter; replaces glutamine 722 with a stop codon.
Molecular consequence: nonsense. On other transcripts: non-coding transcript variant (1).
Genome position (GRCh38, 1-based): chr19:11,010,421, C>T. VCF-style: chr19-11010421-C-T. GRCh37 (hg19) VCF-style: chr19-11121097-C-T.
Other names: c.2164C>T, p.Gln722Ter (NM_001128844.3, NM_001128845.2, NM_001128846.2 and 5 more transcripts); short protein forms Q722*.
Identifiers: ClinVar variation 537814 (VCV000537814.6), dbSNP rs1555773269, ClinGen allele CA404052740.

ClinVar aggregate classification (germline): Pathogenic (1 of 4 stars; one submission).

Conditions:
Rhabdoid tumor predisposition syndrome 2 (RTPS2). Identifiers: Orphanet 231108, Orphanet 69077, MedGen C2750074, MONDO:0013224, OMIM 613325.

Submission:

Labcorp Genetics (formerly Invitae), Labcorp
Classification: Pathogenic for Rhabdoid tumor predisposition syndrome 2. Last evaluated: 2017-11-15. Review status: criteria provided, single submitter. Criteria: Invitae Variant Classification Sherloc (09022015). Collection method: clinical testing. Allele origin: germline.
Comment: This sequence change creates a premature translational stop signal (p.Gln722*) in the SMARCA4 gene. It is expected to result in an absent or disrupted protein product. This variant is not present in population databases (ExAC no frequency). This variant has not been reported in the literature in individuals with SMARCA4-related disease. Loss-of-function variants in SMARCA4 are known to be pathogenic (PMID: 24658001, 24658002). For these reasons, this variant has been classified as Pathogenic.

Literature cited by the submitters: PubMed 24658001; PubMed 24658002.